The following is an entry in ClinVar:

ClinVar aggregate classification (germline): Uncertain significance (1 of 4 stars; one submission).

Conditions:
NKX2-6-related disorder. Also called: NKX2-6-related condition.

Submission:

PreventionGenetics, part of Exact Sciences
Classification: Uncertain significance for NKX2-6-related condition. Last evaluated: 2024-10-30. Review status: criteria provided, single submitter. Criteria: ACMG Guidelines, 2015. Collection method: clinical testing. Allele origin: germline.
Comment: The NKX2-6 c.354C>A variant is predicted to result in the amino acid substitution p.Ser118Arg. To our knowledge, this variant has not been reported in the literature or in a large population database (gnomAD), indicating this variant is rare. At this time, the clinical significance of this variant is uncertain due to the absence of conclusive functional and genetic evidence.

NM_001136271.3(NKX2-6):c.354C>A (p.Ser118Arg)

Gene: NKX2-6 (NK2 homeobox 6; minus strand). Cytogenetic location: 8p21.2.
Variant type: single nucleotide variant.
Coding change: c.354C>A on transcript NM_001136271.3 (MANE Select); coding-DNA position 354, C replaced by A.
Protein change: p.Ser118Arg; replaces serine 118 with arginine.
Molecular consequence: missense variant.
Genome position (GRCh38, 1-based): chr8:23,703,003, G>T on the plus strand (C>A on the coding strand, the complement: NKX2-6 is on the minus strand). VCF-style: chr8-23703003-G-T. GRCh37 (hg19) VCF-style: chr8-23560516-G-T.
Other names: short protein forms S118R.
Identifiers: ClinVar variation 2630304 (VCV002630304.2), dbSNP rs1801033681, ClinGen allele CA370603161.